The following is an entry in ClinVar:

NM_152443.3(RDH12):c.940C>T (p.Arg314Trp)

Genes: GPHN (gephyrin; plus strand), ZFYVE26 (zinc finger FYVE-type containing 26; minus strand), RDH12 (retinol dehydrogenase 12; plus strand). Cytogenetic location: 14q24.1.
Variant type: single nucleotide variant.
Coding change: c.940C>T on transcript NM_152443.3 (MANE Select); coding-DNA position 940, C replaced by T.
Protein change: p.Arg314Trp; replaces arginine 314 with tryptophan.
Molecular consequence: missense variant.
Genome position (GRCh38, 1-based): chr14:67,733,837, C>T. VCF-style: chr14-67733837-C-T. GRCh37 (hg19) VCF-style: chr14-68200554-C-T.
Other names: short protein forms R314W.
Identifiers: ClinVar variation 949129 (VCV000949129.7), dbSNP rs773048895, ClinGen allele CA7238883.

ClinVar aggregate classification (germline): Uncertain significance. Review status: criteria provided, single submitter (1 of 4 stars). 2 submissions from 2 submitters: Uncertain significance (1). 1 of the submissions does not count toward it. Last evaluated 2024-07-19.

Conditions:
Leber congenital amaurosis 13 (LCA13). Identifiers: MedGen C2675186, MONDO:0012990, OMIM 612712.
Leber congenital amaurosis (LCA). Also called: Leber's amaurosis. Identifiers: Orphanet 65, MedGen C0339527, MeSH D057130, MONDO:0018998.

Allele frequency attached by ClinVar (database versions not stated): gnomAD 0.00001; TOPMed 0.00001; ExAC 0.00002; gnomAD exomes 0.00002.
gnomAD v4.1: 18 of 1,611,286 alleles (0.0011%); highest among the groups gnomAD compares: South Asian, 0.0033%; no homozygotes.

Submissions (2):

Labcorp Genetics (formerly Invitae), Labcorp
Classification: Uncertain significance for Leber congenital amaurosis 13. Last evaluated: 2024-07-19. Review status: criteria provided, single submitter. Criteria: Invitae Variant Classification Sherloc (09022015). Collection method: clinical testing. Allele origin: germline.
Comment: This sequence change replaces arginine, which is basic and polar, with tryptophan, which is neutral and slightly polar, at codon 314 of the RDH12 protein (p.Arg314Trp). This variant is present in population databases (rs773048895, gnomAD 0.006%). This missense change has been observed in individual(s) with retinitis pigmentosa (PMID: 28512305). ClinVar contains an entry for this variant (Variation ID: 949129). An algorithm developed to predict the effect of missense changes on protein structure and function (PolyPhen-2) suggests that this variant is likely to be tolerated. In summary, the available evidence is currently insufficient to determine the role of this variant in disease. Therefore, it has been classified as a Variant of Uncertain Significance.

Natera, Inc.
Classification: Uncertain significance for Leber congenital amaurosis. Last evaluated: 2020-05-16. Review status: no assertion criteria provided. Collection method: clinical testing. Allele origin: germline. Not counted in ClinVar's aggregate classification.

Literature cited by the submitters: PubMed 28512305 (cited by Labcorp Genetics (formerly Invitae), Labcorp).